The following is an entry in ClinVar:

ClinVar aggregate classification (germline): Uncertain significance (1 of 4 stars; one submission).

Conditions:
Hereditary spastic paraplegia 6 (SPG6). Also called: SPASTIC PARAPLEGIA 6, AUTOSOMAL DOMINANT. Identifiers: Orphanet 100988, MedGen C1838192, MONDO:0010878, OMIM 600363.

Submission:

Labcorp Genetics (formerly Invitae), Labcorp
Classification: Uncertain significance for Spastic paraplegia 6. Last evaluated: 2019-11-21. Review status: criteria provided, single submitter. Criteria: Invitae Variant Classification Sherloc (09022015). Collection method: clinical testing. Allele origin: germline.
Comment: This variant results in a copy number gain of the genomic region encompassing the full coding sequence of the NIPA1 gene. The boundaries of this event are unknown as they extend beyond the assayed region for this gene and therefore may encompass additional genes. As the precise location of this event is unknown, it may be in tandem or it may be located elsewhere in the genome. This variant has not been reported in the literature in individuals with NIPA1-related conditions. In summary, the available evidence is currently insufficient to determine the role of this variant in disease. Therefore, it has been classified as a Variant of Uncertain Significance.

NC_000015.9:g.(?_23048819)_(23086421_?)dup

Genes: NIPA1 (NIPA magnesium transporter 1; plus strand), LOC130056709 (ATAC-STARR-seq lymphoblastoid silent region 6259; plus strand), LOC130056710 (ATAC-STARR-seq lymphoblastoid silent region 6260; plus strand), LOC130056712 (ATAC-STARR-seq lymphoblastoid active region 9154; plus strand), LOC130056713 (ATAC-STARR-seq lymphoblastoid active region 9155; plus strand) and 1 more. Cytogenetic location: 15q11.2.
Variant type: Duplication.
Identifiers: ClinVar variation 644274 (VCV000644274.2).